The following is an entry in ClinVar:

NM_000091.5(COL4A3):c.1504+1G>A

Genes: COL4A3 (collagen type IV alpha 3 chain; plus strand), MFF-DT (MFF divergent transcript; minus strand). Cytogenetic location: 2q36.3.
Variant type: single nucleotide variant.
Coding change: c.1504+1G>A on transcript NM_000091.5 (MANE Select); the canonical splice donor site of the intron after coding-DNA position 1504, G replaced by A.
Molecular consequence: splice donor variant.
Genome position (GRCh38, 1-based): chr2:227,267,089, G>A. VCF-style: chr2-227267089-G-A. GRCh37 (hg19) VCF-style: chr2-228131805-G-A.
Other names: c.1504+1G>A (NM_000091.4).
Identifiers: ClinVar variation 562351 (VCV000562351.9), dbSNP rs1559882199, ClinGen allele CA350870432.

ClinVar aggregate classification (germline): Pathogenic/Likely pathogenic. Review status: criteria provided, multiple submitters, no conflicts (2 of 4 stars). 6 submissions from 6 submitters: Pathogenic (2); Likely pathogenic (3). 1 of the submissions does not count toward it. Last evaluated 2024-04-02.

Conditions:
Alport syndrome. Also called: Hemorrhagic familial nephritis; Hemorrhagic hereditary nephritis; Congenital hereditary hematuria. Identifiers: Orphanet 63, MedGen C1567741, MONDO:0018965.
Autosomal recessive Alport syndrome (ATS2). Also called: COL4A3-Related Nephropathy; Alport syndrome type 2; ALPORT SYNDROME 2, AUTOSOMAL RECESSIVE; COL4A4 Alport Syndrome and Thin Basement Membrane Nephropathy. Identifiers: Orphanet 63, Orphanet 88919, MedGen C4746745, MONDO:0008762, OMIM 203780.
COL4A3-related disorder. Also called: COL4A3-related condition; COL4A3-Related Disorders.

Submissions (6):

Natera, Inc.
Classification: Likely pathogenic for Alport syndrome. Last evaluated: 2024-04-02. Review status: criteria provided, single submitter. Criteria: Natera Variant Classification Schema (03/2026). Collection method: clinical testing. Allele origin: germline.
Comment: The c.1504+1G>A variant in COL4A3 is a canonical splice donor site variant predicted to affect pre-mRNA splicing, which may result in an abnormal transcript and altered protein product. This variant is expected to result in nonsense mediated decay, truncation, or a dysfunctional protein product. This variant is rare in the general population with a frequency below the threshold expected for the associated phenotype(s). This variant has been observed in one or more individuals affected with the associated recessive disease, as either homozygous or compound heterozygous with a second variant (PMID: 24854265). Given the available evidence, this variant is classified as Likely Pathogenic.

Labcorp Genetics (formerly Invitae), Labcorp
Classification: Likely pathogenic. Last evaluated: 2023-06-23. Review status: criteria provided, single submitter. Criteria: Invitae Variant Classification Sherloc (09022015). Collection method: clinical testing. Allele origin: germline.
Comment: This sequence change affects a donor splice site in intron 23 of the COL4A3 gene. It is expected to disrupt RNA splicing. Variants that disrupt the donor or acceptor splice site typically lead to a loss of protein function (PMID: 16199547), and loss-of-function variants in COL4A3 are known to be pathogenic (PMID: 8956999, 24854265, 26809805, 27281700). This variant is not present in population databases (gnomAD no frequency). Disruption of this splice site has been observed in individual(s) with clinical features of autosomal recessive Alport syndrome and/or glomerulopathy (PMID: 24854265, 30586318). ClinVar contains an entry for this variant (Variation ID: 562351). Algorithms developed to predict the effect of sequence changes on RNA splicing suggest that this variant may disrupt the consensus splice site. In summary, the currently available evidence indicates that the variant is pathogenic, but additional data are needed to prove that conclusively. Therefore, this variant has been classified as Likely Pathogenic.

Eurofins-Biomnis
Classification: Pathogenic for Autosomal recessive Alport syndrome. Last evaluated: 2022-11-24. Review status: criteria provided, single submitter. Criteria: Accession Criteria ClinVar Biomnis. Collection method: clinical testing. Allele origin: germline. Affected: yes. Observed: 1 heterozygote.

GeneDx
Classification: Likely pathogenic. Last evaluated: 2022-01-18. Review status: criteria provided, single submitter. Criteria: GeneDx Variant Classification Process June 2021. Collection method: clinical testing. Allele origin: germline. Affected: yes.
Comment: Canonical splice site variant predicted to result in in-frame deletion within a critical region. Variant damages or destroys the canonical splice donor site in intron 23, and is expected to cause abnormal gene splicing; if the splice outcome is exon skip, the loss of the encoded residues in the triple helical region is expected to disrupt normal protein folding and function; Not observed at significant frequency in large population cohorts (gnomAD); This variant is associated with the following publications: (PMID: 24854265, 25575550)

Blueprint Genetics
Classification: Pathogenic for COL4A3-related disorders. Last evaluated: 2021-12-13. Review status: criteria provided, single submitter. Criteria: ACMG Guidelines, 2015. Collection method: clinical testing. Allele origin: germline. Affected: yes. Observed: 1 variant allele.

Gharavi Laboratory, Columbia University
Classification: Pathogenic. Last evaluated: 2018-09-16. Review status: no assertion criteria provided. Criteria: ACMG Guidelines, 2015. Collection method: research. Allele origin: germline. Affected: yes. Not counted in ClinVar's aggregate classification.

Literature cited by the submitters: PubMed 24854265 (cited by Natera, Inc. and Labcorp Genetics (formerly Invitae), Labcorp); PubMed 16199547 (cited by Labcorp Genetics (formerly Invitae), Labcorp); PubMed 8956999 (cited by Labcorp Genetics (formerly Invitae), Labcorp); PubMed 26809805 (cited by Labcorp Genetics (formerly Invitae), Labcorp); PubMed 27281700 (cited by Labcorp Genetics (formerly Invitae), Labcorp); PubMed 30586318 (cited by Labcorp Genetics (formerly Invitae), Labcorp).